The following is an entry in ClinVar:

ClinVar aggregate classification (germline): Uncertain significance (1 of 4 stars; one submission).

Allele frequency attached by ClinVar (database versions not stated): TOPMed below 0.00001; gnomAD 0.00001; gnomAD exomes 0.00001.
gnomAD v4.1: 9 of 1,613,906 alleles (0.00056%); highest among the groups gnomAD compares: Non-Finnish European, 0.00076%; no homozygotes.

Submission:

Labcorp Genetics (formerly Invitae), Labcorp
Classification: Uncertain significance. Last evaluated: 2024-07-15. Review status: criteria provided, single submitter. Criteria: Invitae Variant Classification Sherloc (09022015). Collection method: clinical testing. Allele origin: germline.
Comment: This sequence change replaces aspartic acid, which is acidic and polar, with glutamic acid, which is acidic and polar, at codon 99 of the JAK1 protein (p.Asp99Glu). This variant is present in population databases (no rsID available, gnomAD 0.003%). This variant has not been reported in the literature in individuals affected with JAK1-related conditions. ClinVar contains an entry for this variant (Variation ID: 1463437). Advanced modeling of protein sequence and biophysical properties (such as structural, functional, and spatial information, amino acid conservation, physicochemical variation, residue mobility, and thermodynamic stability) performed at Invitae indicates that this missense variant is not expected to disrupt JAK1 protein function with a negative predictive value of 80%. In summary, the available evidence is currently insufficient to determine the role of this variant in disease. Therefore, it has been classified as a Variant of Uncertain Significance.

NM_002227.4(JAK1):c.297C>G (p.Asp99Glu)

Gene: JAK1 (Janus kinase 1; minus strand). Cytogenetic location: 1p31.3.
Variant type: single nucleotide variant.
Coding change: c.297C>G on transcript NM_002227.4 (MANE Select); coding-DNA position 297, C replaced by G.
Protein change: p.Asp99Glu; replaces aspartic acid 99 with glutamic acid.
Molecular consequence: missense variant.
Genome position (GRCh38, 1-based): chr1:64,879,057, G>C on the plus strand (C>G on the coding strand, the complement: JAK1 is on the minus strand). VCF-style: chr1-64879057-G-C. GRCh37 (hg19) VCF-style: chr1-65344740-G-C.
Other names: c.297C>G, p.Asp99Glu (NM_001321857.2, NM_001320923.2, NM_001321852.2 and 4 more transcripts); short protein forms D99E.
Identifiers: ClinVar variation 1463437 (VCV001463437.8), dbSNP rs1366562603, ClinGen allele CA340678837.